The following is an entry in ClinVar:

ClinVar aggregate classification (germline): Conflicting classifications of pathogenicity. Review status: criteria provided, conflicting classifications (1 of 4 stars). 7 submissions from 7 submitters: Uncertain significance (1); Benign (4); Likely benign (2). Last evaluated 2026-01-17.

Conditions:
Inborn genetic diseases. Identifiers: MedGen C0950123, MeSH D030342.
Cornelia de Lange syndrome 1 (CDLS1). Also called: Brachmann de Lange syndrome; NIPBL-Related Cornelia de Lange Syndrome; TYPUS DEGENERATIVUS AMSTELODAMENSIS. Identifiers: Orphanet 199, MedGen C4551851, MONDO:0007387, OMIM 122470.

Allele frequency attached by ClinVar (database versions not stated): gnomAD 0.00001 and 0.00009; TOPMed 0.00002; gnomAD exomes 0.00015 and 0.00035; ExAC 0.00035; 1000 Genomes Project 30x 0.00062; 1000 Genomes Project 0.00080.
gnomAD v4.1: 243 of 1,613,526 alleles (0.015%); highest among the groups gnomAD compares: South Asian, 0.23%; 4 homozygotes.

Submissions (7):

Labcorp Genetics (formerly Invitae), Labcorp
Classification: Benign for Cornelia de Lange syndrome 1. Last evaluated: 2026-01-17. Review status: criteria provided, single submitter. Criteria: Invitae Variant Classification Sherloc (09022015). Collection method: clinical testing. Allele origin: germline.

Genome-Nilou Lab
Classification: Benign for Cornelia de Lange syndrome 1. Last evaluated: 2021-07-15. Review status: criteria provided, single submitter. Criteria: ACMG Guidelines, 2015. Collection method: clinical testing. Allele origin: germline. Affected: no.

GeneDx
Classification: Benign. Last evaluated: 2020-04-03. Review status: criteria provided, single submitter. Criteria: GeneDx Variant Classification Process June 2021. Collection method: clinical testing. Allele origin: germline. Affected: yes.

Ambry Genetics
Classification: Likely benign for Inborn genetic diseases. Last evaluated: 2018-06-13. Review status: criteria provided, single submitter. Criteria: Ambry Variant Classification Scheme 2023. Collection method: clinical testing. Allele origin: germline.

Illumina Laboratory Services, Illumina
Classification: Benign for Cornelia de Lange syndrome 1. Last evaluated: 2018-01-12. Review status: criteria provided, single submitter. Criteria: ICSL Variant Classification Criteria 13 December 2019. Collection method: clinical testing. Allele origin: germline.
Comment: This variant was observed in the ICSL laboratory as part of a predisposition screen in an ostensibly healthy population. It had not been previously curated by ICSL or reported in the Human Gene Mutation Database (HGMD: prior to June 1st, 2018), and was therefore a candidate for classification through an automated scoring system. Utilizing variant allele frequency, disease prevalence and penetrance estimates, and inheritance mode, an automated score was calculated to assess if this variant is too frequent to cause the disease. Based on the score and internal cut-off values, a variant classified as benign is not then subjected to further curation. The score for this variant resulted in a classification of benign for this disease.

Genetic Services Laboratory, University of Chicago
Classification: Uncertain significance for Cornelia de Lange syndrome 1. Last evaluated: 2013-02-08. Review status: criteria provided, single submitter. Criteria: ACMG Guidelines, 2007. Collection method: clinical testing. Allele origin: germline. Inheritance: Autosomal dominant inheritance.

PreventionGenetics, part of Exact Sciences
Classification: Likely benign. Review status: criteria provided, single submitter. Criteria: ACMG Guidelines, 2015. Collection method: clinical testing. Allele origin: germline.

NM_133433.4(NIPBL):c.3423A>G (p.Ser1141=)

Gene: NIPBL (NIPBL cohesin loading factor; plus strand). Cytogenetic location: 5p13.2.
Variant type: single nucleotide variant.
Coding change: c.3423A>G on transcript NM_133433.4 (MANE Select); coding-DNA position 3423, A replaced by G.
Protein change: p.Ser1141=; no amino-acid change (serine 1141 retained).
Molecular consequence: synonymous variant.
Genome position (GRCh38, 1-based): chr5:37,000,491, A>G. VCF-style: chr5-37000491-A-G. GRCh37 (hg19) VCF-style: chr5-37000593-A-G.
Other names: c.3423A>G, p.Ser1141= (NM_015384.5).
Identifiers: ClinVar variation 159081 (VCV000159081.18), dbSNP rs571024836, ClinGen allele CA272059.